The following is an entry in ClinVar:

NM_001017995.3(SH3PXD2B):c.1648C>T (p.Arg550Trp)

Gene: SH3PXD2B (SH3 and PX domains 2B; minus strand). Cytogenetic location: 5q35.1.
Variant type: single nucleotide variant.
Coding change: c.1648C>T on transcript NM_001017995.3 (MANE Select); coding-DNA position 1648, C replaced by T.
Protein change: p.Arg550Trp; replaces arginine 550 with tryptophan.
Molecular consequence: missense variant. On other transcripts: intron variant (1).
Genome position (GRCh38, 1-based): chr5:172,339,457, G>A on the plus strand (C>T on the coding strand, the complement: SH3PXD2B is on the minus strand). VCF-style: chr5-172339457-G-A. GRCh37 (hg19) VCF-style: chr5-171766461-G-A.
Other names: c.1648C>T (NM_001017995.2); c.1188+6679C>T (NM_001308175.2); short protein forms R550W.
Identifiers: ClinVar variation 1434248 (VCV001434248.7), dbSNP rs374594864, ClinGen allele CA3561132.

ClinVar aggregate classification (germline): Uncertain significance. Review status: criteria provided, multiple submitters, no conflicts (2 of 4 stars). 2 submissions from 2 submitters: Uncertain significance (2). Last evaluated 2025-03-03.

Conditions:
Inborn genetic diseases. Identifiers: MedGen C0950123, MeSH D030342.

Allele frequency attached by ClinVar (database versions not stated): gnomAD exomes 0.00006 and 0.00011; ESP Exome Variant Server 0.00008; gnomAD 0.00009; ExAC 0.00012; TOPMed 0.00016; 1000 Genomes Project 30x 0.00031; 1000 Genomes Project 0.00040.
gnomAD v4.1: 97 of 1,613,894 alleles (0.006%); highest among the groups gnomAD compares: African/African-American, 0.037%; no homozygotes.

Submissions (2):

Labcorp Genetics (formerly Invitae), Labcorp
Classification: Uncertain significance. Last evaluated: 2025-03-03. Review status: criteria provided, single submitter. Criteria: Invitae Variant Classification Sherloc (09022015). Collection method: clinical testing. Allele origin: germline.
Comment: This sequence change replaces arginine, which is basic and polar, with tryptophan, which is neutral and slightly polar, at codon 550 of the SH3PXD2B protein (p.Arg550Trp). This variant is present in population databases (rs374594864, gnomAD 0.06%). This variant has not been reported in the literature in individuals affected with SH3PXD2B-related conditions. ClinVar contains an entry for this variant (Variation ID: 1434248). An algorithm developed to predict the effect of missense changes on protein structure and function (PolyPhen-2) suggests that this variant is likely to be disruptive. In summary, the available evidence is currently insufficient to determine the role of this variant in disease. Therefore, it has been classified as a Variant of Uncertain Significance.

Ambry Genetics
Classification: Uncertain significance for Inborn genetic diseases. Last evaluated: 2021-08-10. Review status: criteria provided, single submitter. Criteria: Ambry Variant Classification Scheme 2023. Collection method: clinical testing. Allele origin: germline.